The following is an entry in ClinVar:

ClinVar aggregate classification (germline): Pathogenic. Review status: criteria provided, multiple submitters, no conflicts (2 of 4 stars). 2 submissions from 2 submitters: Pathogenic (2). Last evaluated 2023-12-06.

Conditions:
Junctional epidermolysis bullosa. Identifiers: Orphanet 305, MedGen C0079301, MONDO:0017612.

Submissions (2):

Labcorp Genetics (formerly Invitae), Labcorp
Classification: Pathogenic. Last evaluated: 2023-12-06. Review status: criteria provided, single submitter. Criteria: Invitae Variant Classification Sherloc (09022015). Collection method: clinical testing. Allele origin: germline.
Comment: This sequence change creates a premature translational stop signal (p.Leu830Phefs*11) in the LAMC2 gene. It is expected to result in an absent or disrupted protein product. Loss-of-function variants in LAMC2 are known to be pathogenic (PMID: 11907499, 16473856). This variant is present in population databases (rs774734592, gnomAD 0.0009%). This variant has not been reported in the literature in individuals affected with LAMC2-related conditions. ClinVar contains an entry for this variant (Variation ID: 862349). Algorithms developed to predict the effect of sequence changes on RNA splicing suggest that this variant may disrupt the consensus splice site. For these reasons, this variant has been classified as Pathogenic.

Biomedical Innovation Departament, CIEMAT
Classification: Pathogenic for Epidermolysis bullosa junctionalis. Last evaluated: 2011-06-21. Review status: criteria provided, single submitter. Criteria: ACMG Guidelines, 2015. Collection method: research. Allele origin: germline. Affected: yes. Observed: 1 variant allele.

Literature cited by the submitters: PubMed 11907499 (cited by Labcorp Genetics (formerly Invitae), Labcorp); PubMed 16473856 (cited by Labcorp Genetics (formerly Invitae), Labcorp).

NM_005562.3(LAMC2):c.2489dup (p.Leu830fs)

Gene: LAMC2 (laminin subunit gamma 2; plus strand). Cytogenetic location: 1q25.3.
Variant type: Duplication.
Coding change: c.2489dup on transcript NM_005562.3 (MANE Select); coding-DNA position 2489, one base duplicated (T; older notation c.2489dupT).
Protein change: p.Leu830fs; shifts the reading frame from leucine 830.
Molecular consequence: frameshift variant.
Genome position (GRCh38, 1-based): chr1:183,236,492, T duplicated; the last of 2 consecutive T bases (chr1:183,236,491-183,236,492); duplicating either gives the same sequence. VCF-style (leftmost placement, unchanged base first): chr1-183236490-G-GT. GRCh37 (hg19) VCF-style: chr1-183205625-G-GT.
Other names: c.2489dup, p.Leu830fs (NM_018891.3); c.2489dupT (NM_005562.3); short protein forms L830fs.
Identifiers: ClinVar variation 862349 (VCV000862349.8), dbSNP rs774734592, ClinGen allele CA1282966.
Genomic context (GRCh38, chr1:183,236,490, plus strand): 5'-TTACCGCCCCCTCCCCACCCCCAACACCAGATTGGAGAAAACCAAGTCCCTGGCCCAGCA[G>GT]TTGACAAGGGAGGCCACTCAAGCGGAAATTGAAGCAGATAGGTCTTATCAGCACAGTCTC-3'